The following is an entry in ClinVar:

NM_000328.3(RPGR):c.2324T>C (p.Ile775Thr)

Gene: RPGR (retinitis pigmentosa GTPase regulator; minus strand). Cytogenetic location: Xp11.4.
Variant type: single nucleotide variant.
Coding change: c.2324T>C on transcript NM_000328.3; coding-DNA position 2324, T replaced by C.
Protein change: p.Ile775Thr; replaces isoleucine 775 with threonine.
Molecular consequence: missense variant. On other transcripts: non-coding transcript variant (6).
Genome position (GRCh38, 1-based): chrX:38,269,750, A>G on the plus strand (T>C on the coding strand, the complement: RPGR is on the minus strand). VCF-style: chrX-38269750-A-G. GRCh37 (hg19) VCF-style: chrX-38129003-A-G.
Other names: c.1991T>C, p.Ile664Thr (NM_001367247.1); c.2021T>C, p.Ile674Thr (NM_001367248.1); c.1988T>C, p.Ile663Thr (NM_001367249.1, NM_001367250.1); c.1805T>C, p.Ile602Thr (NM_001367251.1); c.2321T>C, p.Ile774Thr (NM_001367245.1); c.2138T>C, p.Ile713Thr (NM_001367246.1); short protein forms I664T, I774T, I602T, I674T, I713T, I663T, I775T.
Identifiers: ClinVar variation 698774 (VCV000698774.18), dbSNP rs145289281, ClinGen allele CA10385037.
Genomic context (GRCh38, chrX:38,269,750, plus strand): 5'-TGACTCATGTGGTTCTGGTCGGCATCTTTATTATCACTTTTTAAAATGATCTGGTCTCCT[A>G]TGGATTTTATCTCTGGGAGCGGCTCATTGTTATTCTTGACAATCTTTTGATTTATTGAGG-3'

ClinVar aggregate classification (germline): Benign/Likely benign. Review status: criteria provided, multiple submitters, no conflicts (2 of 4 stars). 4 submissions from 4 submitters: Benign (1); Likely benign (2). 1 of the submissions does not count toward it. Last evaluated 2025-12-18.

Conditions:
Primary ciliary dyskinesia. Also called: Ciliary dyskinesia. Identifiers: Orphanet 244, MedGen C0008780, MONDO:0016575, HP:0012265.
RPGR-related disorder. Also called: RPGR-related condition.

Allele frequency attached by ClinVar (database versions not stated): gnomAD exomes 0.00031 and 0.00016; gnomAD 0.00087 and 0.00088; TOPMed 0.00100; ESP Exome Variant Server 0.00104; ExAC 0.00032; 1000 Genomes Project 0.00159; 1000 Genomes Project 30x 0.00187.

Submissions (4):

Labcorp Genetics (formerly Invitae), Labcorp
Classification: Benign for Primary ciliary dyskinesia. Last evaluated: 2025-12-18. Review status: criteria provided, single submitter. Criteria: Invitae Variant Classification Sherloc (09022015). Collection method: clinical testing. Allele origin: germline.

Blueprint Genetics
Classification: Likely benign. Last evaluated: 2024-11-15. Review status: criteria provided, single submitter. Criteria: ACMG Guidelines, 2015. Collection method: clinical testing. Allele origin: germline.

Ambry Genetics
Classification: Likely benign for Primary ciliary dyskinesia. Last evaluated: 2019-10-10. Review status: criteria provided, single submitter. Criteria: Ambry Variant Classification Scheme 2023. Collection method: clinical testing. Allele origin: germline.

PreventionGenetics, part of Exact Sciences
Classification: Likely benign for RPGR-related condition. Last evaluated: 2019-09-04. Review status: no assertion criteria provided. Collection method: clinical testing. Allele origin: germline. Not counted in ClinVar's aggregate classification.
Comment: This variant is classified as likely benign based on ACMG/AMP sequence variant interpretation guidelines (Richards et al. 2015 PMID: 25741868, with internal and published modifications).